The following is an entry in ClinVar:

ClinVar aggregate classification (germline): Uncertain significance (1 of 4 stars; one submission).

Allele frequency attached by ClinVar (database versions not stated): gnomAD exomes below 0.00001; ExAC 0.00001.
gnomAD v4.1: 1 of 1,613,650 alleles (0.000062%); highest among the groups gnomAD compares: Non-Finnish European, 0.000085%; no homozygotes.

Submission:

Labcorp Genetics (formerly Invitae), Labcorp
Classification: Uncertain significance. Last evaluated: 2022-02-13. Review status: criteria provided, single submitter. Criteria: Invitae Variant Classification Sherloc (09022015). Collection method: clinical testing. Allele origin: germline.
Comment: In summary, the available evidence is currently insufficient to determine the role of this variant in disease. Therefore, it has been classified as a Variant of Uncertain Significance. Algorithms developed to predict the effect of missense changes on protein structure and function are either unavailable or do not agree on the potential impact of this missense change (SIFT: "Deleterious"; PolyPhen-2: "Benign"; Align-GVGD: "Class C35"). This variant has not been reported in the literature in individuals affected with SAR1B-related conditions. This variant is present in population databases (rs778717339, gnomAD 0.0009%). This sequence change replaces arginine, which is basic and polar, with glutamine, which is neutral and polar, at codon 83 of the SAR1B protein (p.Arg83Gln).

NM_016103.4(SAR1B):c.248G>A (p.Arg83Gln)

Gene: SAR1B (secretion associated Ras related GTPase 1B; minus strand). Cytogenetic location: 5q31.1.
Variant type: single nucleotide variant.
Coding change: c.248G>A on transcript NM_016103.4 (MANE Select); coding-DNA position 248, G replaced by A.
Protein change: p.Arg83Gln; replaces arginine 83 with glutamine.
Molecular consequence: missense variant.
Genome position (GRCh38, 1-based): chr5:134,609,671, C>T on the plus strand (G>A on the coding strand, the complement: SAR1B is on the minus strand). VCF-style: chr5-134609671-C-T. GRCh37 (hg19) VCF-style: chr5-133945361-C-T.
Other names: c.248G>A, p.Arg83Gln (NM_001033503.3); short protein forms R83Q.
Identifiers: ClinVar variation 1929902 (VCV001929902.5), dbSNP rs778717339, ClinGen allele CA3414486.